The following is an entry in ClinVar:

ClinVar aggregate classification (germline): Uncertain significance. Review status: criteria provided, multiple submitters, no conflicts (2 of 4 stars). 2 submissions from 2 submitters: Uncertain significance (2). Last evaluated 2025-10-05.

Allele frequency attached by ClinVar (database versions not stated): gnomAD exomes below 0.00001.
gnomAD v4.1: 5 of 1,613,556 alleles (0.00031%); highest among the groups gnomAD compares: Non-Finnish European, 0.00042%; no homozygotes.

Submissions (2):

Ambry Genetics
Classification: Uncertain significance. Last evaluated: 2025-10-05. Review status: criteria provided, single submitter. Criteria: Ambry Variant Classification Scheme 2023. Collection method: clinical testing. Allele origin: germline.
Comment: The p.I847V variant (also known as c.2539A>G), located in coding exon 13 of the GEN1 gene, results from an A to G substitution at nucleotide position 2539. The isoleucine at codon 847 is replaced by valine, an amino acid with highly similar properties. This amino acid position is conserved. In addition, this alteration is predicted to be tolerated by in silico analysis. Based on the available evidence, the clinical significance of this variant remains unclear.

Labcorp Genetics (formerly Invitae), Labcorp
Classification: Uncertain significance. Last evaluated: 2023-08-02. Review status: criteria provided, single submitter. Criteria: Invitae Variant Classification Sherloc (09022015). Collection method: clinical testing. Allele origin: germline.
Comment: In summary, the available evidence is currently insufficient to determine the role of this variant in disease. Therefore, it has been classified as a Variant of Uncertain Significance. Algorithms developed to predict the effect of missense changes on protein structure and function output the following: SIFT: "Not Available"; PolyPhen-2: "Benign"; Align-GVGD: "Not Available". The valine amino acid residue is found in multiple mammalian species, which suggests that this missense change does not adversely affect protein function. ClinVar contains an entry for this variant (Variation ID: 1000510). This variant has not been reported in the literature in individuals affected with GEN1-related conditions. This variant is not present in population databases (gnomAD no frequency). This sequence change replaces isoleucine, which is neutral and non-polar, with valine, which is neutral and non-polar, at codon 847 of the GEN1 protein (p.Ile847Val).

NM_001130009.3(GEN1):c.2539A>G (p.Ile847Val)

Gene: GEN1 (GEN1 structure-specific endonuclease; plus strand). Cytogenetic location: 2p24.2.
Variant type: single nucleotide variant.
Coding change: c.2539A>G on transcript NM_001130009.3 (MANE Select); coding-DNA position 2539, A replaced by G.
Protein change: p.Ile847Val; replaces isoleucine 847 with valine.
Molecular consequence: missense variant.
Genome position (GRCh38, 1-based): chr2:17,781,751, A>G. VCF-style: chr2-17781751-A-G. GRCh37 (hg19) VCF-style: chr2-17963018-A-G.
Other names: c.2539A>G, p.Ile847Val (NM_182625.5); c.2539A>G (NM_001130009.1); short protein forms I847V.
Identifiers: ClinVar variation 1000510 (VCV001000510.10), dbSNP rs1672850389, ClinGen allele CA345928279.